The following is an entry in ClinVar:

NM_006846.4(SPINK5):c.2740-381A>G

Gene: SPINK5 (serine peptidase inhibitor Kazal type 5; plus strand). Cytogenetic location: 5q32.
Variant type: single nucleotide variant.
Coding change: c.2740-381A>G on transcript NM_006846.4 (MANE Select); 381 bases into the intron before coding-DNA position 2740, A replaced by G.
Molecular consequence: intron variant.
Genome position (GRCh38, 1-based): chr5:148,125,342, A>G. VCF-style: chr5-148125342-A-G. GRCh37 (hg19) VCF-style: chr5-147504905-A-G.
Other names: c.2740-182A>G (NM_001127698.2).
Identifiers: ClinVar variation 674283 (VCV000674283.1), dbSNP rs3764931, ClinGen allele CA12134206.

ClinVar aggregate classification (germline): Benign (1 of 4 stars; one submission).

Allele frequency attached by ClinVar (database versions not stated): gnomAD 0.21891 and 0.22492; TOPMed 0.23008; 1000 Genomes Project 30x 0.31964; 1000 Genomes Project 0.31989.

Submission:

GeneDx
Classification: Benign. Last evaluated: 2018-06-19. Review status: criteria provided, single submitter. Criteria: GeneDx Variant Classification (06012015). Collection method: clinical testing. Allele origin: germline. Affected: yes.
Comment: This variant is considered likely benign or benign based on one or more of the following criteria: it is a conservative change, it occurs at a poorly conserved position in the protein, it is predicted to be benign by multiple in silico algorithms, and/or has population frequency not consistent with disease.